The following is an entry in ClinVar:

ClinVar aggregate classification (germline): Uncertain significance. Review status: criteria provided, multiple submitters, no conflicts (2 of 4 stars). 2 submissions from 2 submitters: Uncertain significance (2). Last evaluated 2024-09-29.

Conditions:
Charcot-Marie-Tooth disease type 2. Also called: Charcot-Marie-Tooth type 2. Identifiers: Orphanet 64746, MedGen C0270914, MONDO:0018993.

Allele frequency attached by ClinVar (database versions not stated): ExAC 0.00001; gnomAD exomes 0.00002 and below 0.00001; TOPMed 0.00003; gnomAD 0.00002.
gnomAD v4.1: 26 of 1,613,616 alleles (0.0016%); highest among the groups gnomAD compares: Admixed American, 0.005%; no homozygotes.

Submissions (2):

Labcorp Genetics (formerly Invitae), Labcorp
Classification: Uncertain significance for Charcot-Marie-Tooth disease type 2. Last evaluated: 2024-09-29. Review status: criteria provided, single submitter. Criteria: Invitae Variant Classification Sherloc (09022015). Collection method: clinical testing. Allele origin: germline.
Comment: This sequence change replaces arginine, which is basic and polar, with cysteine, which is neutral and slightly polar, at codon 468 of the MFN2 protein (p.Arg468Cys). The frequency data for this variant in the population databases is considered unreliable, as metrics indicate poor data quality at this position in the gnomAD database. This variant has not been reported in the literature in individuals affected with MFN2-related conditions. ClinVar contains an entry for this variant (Variation ID: 1490037). Invitae Evidence Modeling of protein sequence and biophysical properties (such as structural, functional, and spatial information, amino acid conservation, physicochemical variation, residue mobility, and thermodynamic stability) has been performed for this missense variant. However, the output from this modeling did not meet the statistical confidence thresholds required to predict the impact of this variant on MFN2 protein function. In summary, the available evidence is currently insufficient to determine the role of this variant in disease. Therefore, it has been classified as a Variant of Uncertain Significance.

Athena Diagnostics
Classification: Uncertain significance. Last evaluated: 2021-08-11. Review status: criteria provided, single submitter. Criteria: Athena Diagnostics Criteria. Collection method: clinical testing. Allele origin: unknown.

Literature cited by the submitters: PubMed 25412673 (cited by Athena Diagnostics).

NM_014874.4(MFN2):c.1402C>T (p.Arg468Cys)

Gene: MFN2 (mitofusin 2; plus strand). Cytogenetic location: 1p36.22.
Variant type: single nucleotide variant.
Coding change: c.1402C>T on transcript NM_014874.4 (MANE Select); coding-DNA position 1402, C replaced by T.
Protein change: p.Arg468Cys; replaces arginine 468 with cysteine.
Molecular consequence: missense variant.
Genome position (GRCh38, 1-based): chr1:12,004,834, C>T. VCF-style: chr1-12004834-C-T. GRCh37 (hg19) VCF-style: chr1-12064891-C-T.
Other names: c.1402C>T, p.Arg468Cys (NM_001127660.2); short protein forms R468C.
Identifiers: ClinVar variation 1490037 (VCV001490037.7), dbSNP rs746852710, ClinGen allele CA599116.
Genomic context (GRCh38, chr1:12,004,834, plus strand): 5'-AAGGGAATTTTGATGGACATGCTTCTCTTAACTTCCCTCTTCTGGTGGCAGGAGCTGCAC[C>T]GCCACATAGAGGAAGGACTGGGTCGAAACATGTCTGACCGCTGCTCCACGGCCATCACCA-3'
Protein context (NP_055689.1, residues 458-478): VLKVYKNELH[Arg468Cys]HIEEGLGRNM